The following is an entry in ClinVar:

ClinVar aggregate classification (germline): Likely pathogenic. Review status: criteria provided, single submitter (1 of 4 stars). 2 submissions from 2 submitters: Likely pathogenic (1). 1 of the submissions does not count toward it. Last evaluated 2021-08-05.

Conditions:
Congenital myasthenic syndrome 10. Also called: Myasthenia, limb-girdle, familial. Identifiers: Orphanet 590, MedGen C1850792, MONDO:0009690, OMIM 254300.

Submissions (2):

Kariminejad - Najmabadi Pathology & Genetics Center
Classification: Likely pathogenic for Congenital myasthenic syndrome 10. Last evaluated: 2021-08-05. Review status: criteria provided, single submitter. Criteria: ACMG Guidelines, 2015. Collection method: clinical testing. Allele origin: germline. Inheritance: Autosomal recessive inheritance. Affected: yes.
Comment: PVS1,PM2

Neuromuscular Department, Shariati Hospital, Tehran University of Medical Sciences
Classification: Likely pathogenic for Congenital myasthenic syndrome 10. Last evaluated: 2021-06-07. Review status: no assertion criteria provided. Collection method: clinical testing. Allele origin: germline. Inheritance: Autosomal recessive inheritance. Affected: yes. Observed: 1 variant allele, 1 compound heterozygote. Not counted in ClinVar's aggregate classification.

NM_173660.5(DOK7):c.718del (p.Gln240fs)

Genes: DOK7 (docking protein 7; plus strand), LOC129992118 (ATAC-STARR-seq lymphoblastoid silent region 15206; plus strand). Cytogenetic location: 4p16.3.
Variant type: Deletion.
Coding change: c.718del on transcript NM_173660.5 (MANE Select); coding-DNA position 718, one base deleted (C; older notation c.718delC).
Protein change: p.Gln240fs; shifts the reading frame from glutamine 240.
Molecular consequence: frameshift variant. On other transcripts: 5 prime UTR variant (1).
Genome position (GRCh38, 1-based): chr4:3,489,742, C deleted. VCF-style (leftmost placement, unchanged base first): chr4-3489741-AC-A. GRCh37 (hg19) VCF-style: chr4-3491468-AC-A.
Other names: c.707del, p.Thr236fs (NM_001164673.2); c.-213del (NM_001256896.2); c.718del, p.Gln240fs (NM_001301071.2); c.286del, p.Gln96fs (NM_001363811.2); c.718delC (NM_173660.5); short protein forms Q240fs, Q96fs, T236fs.
Identifiers: ClinVar variation 1172528 (VCV001172528.3), dbSNP rs2109388978, ClinGen allele CA2499217198.